The following is an entry in ClinVar:

ClinVar aggregate classification (germline): Uncertain significance. Review status: criteria provided, multiple submitters, no conflicts (2 of 4 stars). 5 submissions from 5 submitters: Uncertain significance (4). 1 of the submissions does not count toward it. Last evaluated 2025-12-08.

Conditions:
Hereditary cancer-predisposing syndrome. Also called: Tumor predisposition; Hereditary Cancer Syndrome; Neoplastic Syndromes, Hereditary; Hereditary neoplastic syndrome. Identifiers: Orphanet 140162, MedGen C0027672, MeSH D009386, MONDO:0015356.
Hereditary breast ovarian cancer syndrome. Also called: Hereditary breast and/or ovarian cancer syndrome; BRCA1- and BRCA2-Associated Hereditary Breast and Ovarian Cancer; Hereditary breast and ovarian cancer; Hereditary breast and ovarian cancer syndrome (HBOC); Breast and ovarian cancer; Hereditary breast and ovarian cancer syndrome. Identifiers: Orphanet 145, MedGen C0677776, MeSH D061325, MONDO:0003582. Disease mechanism: loss of function.
Breast-ovarian cancer, familial, susceptibility to, 2 (BROVCA2). Also called: BRCA2 Hereditary Breast and Ovarian Cancer. Identifiers: Orphanet 145, MedGen C2675520, MONDO:0012933, OMIM 612555. Disease mechanism: loss of function.

Submissions (5):

Ambry Genetics
Classification: Uncertain significance for Hereditary cancer-predisposing syndrome. Last evaluated: 2025-12-08. Review status: criteria provided, single submitter. Criteria: Ambry Variant Classification Scheme 2023. Collection method: clinical testing. Allele origin: germline.
Comment: The c.4446_4451dupAACAGA variant (also known as p.E1482_T1483dup), located in coding exon 10 of the BRCA2 gene, results from an in-frame duplication of AACAGA at nucleotide positions 4446 to 4451. This results in the duplication of 2 extra residues (ET) between codons 1482 and 1483. This amino acid region is not well conserved in available vertebrate species. In addition, this alteration is predicted to be deleterious by in silico analysis (Choi Y et al. PLoS ONE. 2012; 7(10):e46688). Based on the available evidence, the clinical significance of this variant remains unclear.

Women's Health and Genetics/Laboratory Corporation of America, LabCorp
Classification: Uncertain significance. Last evaluated: 2025-10-15. Review status: criteria provided, single submitter. Criteria: LabCorp Variant Classification Summary - May 2015. Collection method: clinical testing. Allele origin: germline.
Comment: Variant summary: BRCA2 c.4446_4451dupAACAGA (p.Glu1482_Thr1483dup) results in an in-frame duplication that is predicted to duplicate 2 amino acids into the encoded protein. The variant allele was found at a frequency of 4e-06 in 249934 control chromosomes (gnomAD). The available data on variant occurrences in the general population are insufficient to allow any conclusion about variant significance. c.4446_4451dupAACAGA has been observed in individuals affected with breast or ovarian cancer without strong evidence of causality (e.g., El Saghir_2015, Akcay_2021, Grigore_2024). These reports do not provide unequivocal conclusions about association of the variant with Hereditary Breast And Ovarian Cancer Syndrome. To our knowledge, no experimental evidence demonstrating an impact on protein function has been reported. The following publications have been ascertained in the context of this evaluation (PMID: 25777348, 32658311, 38785549). ClinVar contains an entry for this variant (Variation ID: 216854). Based on the evidence outlined above, the variant was classified as uncertain significance.

Labcorp Genetics (formerly Invitae), Labcorp
Classification: Uncertain significance for Hereditary breast ovarian cancer syndrome. Last evaluated: 2025-08-04. Review status: criteria provided, single submitter. Criteria: Invitae Variant Classification Sherloc (09022015). Collection method: clinical testing. Allele origin: germline.
Comment: This variant, c.4446_4451dup, results in the insertion of 2 amino acid(s) of the BRCA2 protein (p.Glu1482_Thr1483dup), but otherwise preserves the integrity of the reading frame. This variant is present in population databases (no rsID available, gnomAD 0.0009%). This variant has been observed in individual(s) with breast cancer or hereditary non polyposis syndromes (PMID: 25777348, 31942411). ClinVar contains an entry for this variant (Variation ID: 216854). Experimental studies and prediction algorithms are not available or were not evaluated, and the functional significance of this variant is currently unknown. In summary, the available evidence is currently insufficient to determine the role of this variant in disease. Therefore, it has been classified as a Variant of Uncertain Significance.

Color Diagnostics, LLC DBA Color Health
Classification: Uncertain significance for Hereditary cancer-predisposing syndrome. Last evaluated: 2024-02-20. Review status: criteria provided, single submitter. Criteria: ACMG Guidelines, 2015. Collection method: clinical testing. Allele origin: germline.
Comment: This variant causes a duplication of 6 basepairs and the in-frame insertion of 2 amino acids in the BRCA2 protein. To our knowledge, functional studies have not been performed for this variant. This variant has been reported in individuals affected with breast cancer (PMID: 25777348, CanVaS database, Color internal data) and an individual affected with Lynch syndrome (PMID: 31942411). This variant has been identified in 1/249934 chromosomes in the general population by the Genome Aggregation Database (gnomAD). The available evidence is insufficient to determine the role of this variant in disease conclusively. Therefore, this variant is classified as a Variant of Uncertain Significance.

BRCAlab, Lund University
Classification: Uncertain significance for Breast-ovarian cancer, familial, susceptibility to, 2. Last evaluated: 2020-03-02. Review status: no assertion criteria provided. Collection method: clinical testing. Allele origin: germline. Affected: yes. Not counted in ClinVar's aggregate classification.

Literature cited by the submitters: PubMed 25777348 (cited by 4 submitters); PubMed 31942411 (cited by 3 submitters); PubMed 32658311 (cited by Women's Health and Genetics/Laboratory Corporation of America, LabCorp); PubMed 38785549 (cited by Women's Health and Genetics/Laboratory Corporation of America, LabCorp).

NM_000059.4(BRCA2):c.4446_4451dup (p.Glu1482_Thr1483dup)

Gene: BRCA2 (BRCA2 DNA repair associated; plus strand). Cytogenetic location: 13q13.1.
Variant type: Duplication.
Coding change: c.4446_4451dup on transcript NM_000059.4 (MANE Select); coding-DNA positions 4446 to 4451, 6 bases duplicated (AACAGA; older notation c.4446_4451dupAACAGA).
Protein change: p.Glu1482_Thr1483dup.
Molecular consequence: inframe insertion.
Genome position (GRCh38, 1-based): chr13:32,338,801-32,338,806, AACAGA duplicated; duplicating any 6 consecutive bases within chr13:32,338,799-32,338,806 gives the same sequence; the c. name uses the placement nearest the transcript's 3' end. VCF-style (leftmost placement, unchanged base first): chr13-32338798-G-GGAAACA. GRCh37 (hg19) VCF-style: chr13-32912935-G-GGAAACA.
Other names: c.4446_4451dupAACAGA (NM_000059.3, NM_000059.4).
Identifiers: ClinVar variation 216854 (VCV000216854.25), dbSNP rs863224826, ClinGen allele CA337572.